The following is an entry in ClinVar:

ClinVar aggregate classification (germline): Uncertain significance (1 of 4 stars; one submission).

Allele frequency attached by ClinVar (database versions not stated): gnomAD 0.00001; TOPMed 0.00001.
gnomAD v4.1: 2 of 1,613,878 alleles (0.00012%); highest among the groups gnomAD compares: African/African-American, 0.0027%; no homozygotes.

Submission:

Labcorp Genetics (formerly Invitae), Labcorp
Classification: Uncertain significance. Last evaluated: 2022-08-09. Review status: criteria provided, single submitter. Criteria: Invitae Variant Classification Sherloc (09022015). Collection method: clinical testing. Allele origin: germline.
Comment: This sequence change replaces serine, which is neutral and polar, with arginine, which is basic and polar, at codon 114 of the MYO18B protein (p.Ser114Arg). This variant is present in population databases (no rsID available, gnomAD 0.01%). In summary, the available evidence is currently insufficient to determine the role of this variant in disease. Therefore, it has been classified as a Variant of Uncertain Significance. Algorithms developed to predict the effect of missense changes on protein structure and function output the following: SIFT: "Not Available"; PolyPhen-2: "Possibly Damaging"; Align-GVGD: "Not Available". The arginine amino acid residue is found in multiple mammalian species, which suggests that this missense change does not adversely affect protein function. ClinVar contains an entry for this variant (Variation ID: 1365051). This variant has not been reported in the literature in individuals affected with MYO18B-related conditions.

NM_032608.7(MYO18B):c.340A>C (p.Ser114Arg)

Gene: MYO18B (myosin XVIIIB; plus strand). Cytogenetic location: 22q12.1.
Variant type: single nucleotide variant.
Coding change: c.340A>C on transcript NM_032608.7 (MANE Select); coding-DNA position 340, A replaced by C.
Protein change: p.Ser114Arg; replaces serine 114 with arginine.
Molecular consequence: missense variant.
Genome position (GRCh38, 1-based): chr22:25,768,256, A>C. VCF-style: chr22-25768256-A-C. GRCh37 (hg19) VCF-style: chr22-26164223-A-C.
Other names: c.340A>C, p.Ser114Arg (NM_001318245.2); short protein forms S114R.
Identifiers: ClinVar variation 1365051 (VCV001365051.8), dbSNP rs1228527916, ClinGen allele CA411001286.